The following is an entry in ClinVar:

ClinVar aggregate classification (germline): Uncertain significance (1 of 4 stars; one submission).

Conditions:
Hereditary cancer-predisposing syndrome. Also called: Hereditary Cancer Syndrome; Hereditary neoplastic syndrome; Neoplastic Syndromes, Hereditary; Tumor predisposition. Identifiers: Orphanet 140162, MedGen C0027672, MeSH D009386, MONDO:0015356.

Submission:

Sema4
Classification: Uncertain significance for Hereditary cancer-predisposing syndrome. Last evaluated: 2022-02-26. Review status: criteria provided, single submitter. Criteria: Sema4 Curation Guidelines. Collection method: curation. Allele origin: germline.
Comment: The SMARCA4 c.3982G>A (p.A1328T) variant has not been reported in the literature to our knowledge. It was not observed in the large and broad cohorts of the Genome Aggregation Database (PMID: 32461654). This variant has not been reported in ClinVar. Functional studies have not been performed, and in silico predictions of the variant's effect on protein function are inconclusive. The evidence is insufficient to meet ACMG/AMP criteria for classifying the variant as benign or pathogenic. Thus, the clinical significance of this variant is currently uncertain.

NM_003072.5(SMARCA4):c.3982G>A (p.Ala1328Thr)

Gene: SMARCA4 (SWI/SNF related BAF chromatin remodeling complex subunit ATPase 4; plus strand). Cytogenetic location: 19p13.2.
Variant type: single nucleotide variant.
Coding change: c.3982G>A on transcript NM_003072.5 (MANE Select); coding-DNA position 3982, G replaced by A.
Protein change: p.Ala1328Thr; replaces alanine 1328 with threonine.
Molecular consequence: missense variant. On other transcripts: non-coding transcript variant (1).
Genome position (GRCh38, 1-based): chr19:11,034,944, G>A. VCF-style: chr19-11034944-G-A. GRCh37 (hg19) VCF-style: chr19-11145620-G-A.
Other names: c.3982G>A, p.Ala1328Thr (NM_001128844.3, NM_001128849.3, NM_001387283.1); c.3883G>A, p.Ala1295Thr (NM_001128845.2, NM_001128846.2, NM_001128847.4 and 2 more transcripts); short protein forms A1295T, A1328T.
Identifiers: ClinVar variation 1692593 (VCV001692593.1), dbSNP rs2146696892, ClinGen allele CA404068046.